The following is an entry in ClinVar:

NM_194255.4(SLC19A1):c.504C>G (p.Ser168=)

Gene: SLC19A1 (solute carrier family 19 member 1; minus strand). Cytogenetic location: 21q22.3.
Variant type: single nucleotide variant.
Coding change: c.504C>G on transcript NM_194255.4 (MANE Select); coding-DNA position 504, C replaced by G.
Protein change: p.Ser168=; no amino-acid change (serine 168 retained).
Molecular consequence: synonymous variant.
Genome position (GRCh38, 1-based): chr21:45,531,834, G>C on the plus strand (C>G on the coding strand, the complement: SLC19A1 is on the minus strand). VCF-style: chr21-45531834-G-C. GRCh37 (hg19) VCF-style: chr21-46951748-G-C.
Other names: c.504C>G, p.Ser168= (NM_001205206.4, NM_001352511.3, NM_001352512.2); c.384C>G, p.Ser128= (NM_001205207.3); c.150C>G, p.Ser50= (NM_001352510.2); c.504C>G (NM_194255.2).
Identifiers: ClinVar variation 1905497 (VCV001905497.7), dbSNP rs763544507, ClinGen allele CA10068596.

ClinVar aggregate classification (germline): Likely benign. Review status: criteria provided, single submitter (1 of 4 stars). 2 submissions from 2 submitters: Likely benign (1). 1 of the submissions does not count toward it. Last evaluated 2024-10-23.

Conditions:
SLC19A1-related disorder. Also called: SLC19A1-related condition.

Allele frequency attached by ClinVar (database versions not stated): ExAC 0.00006; gnomAD 0.00006.
gnomAD v4.1: 106 of 1,587,408 alleles (0.0067%); highest among the groups gnomAD compares: Non-Finnish European, 0.0082%; 1 homozygote.

Submissions (2):

Labcorp Genetics (formerly Invitae), Labcorp
Classification: Likely benign. Last evaluated: 2024-10-23. Review status: criteria provided, single submitter. Criteria: Invitae Variant Classification Sherloc (09022015). Collection method: clinical testing. Allele origin: germline.

PreventionGenetics, part of Exact Sciences
Classification: Likely benign for SLC19A1-related condition. Last evaluated: 2019-07-11. Review status: no assertion criteria provided. Collection method: clinical testing. Allele origin: germline. Not counted in ClinVar's aggregate classification.
Comment: This variant is classified as likely benign based on ACMG/AMP sequence variant interpretation guidelines (Richards et al. 2015 PMID: 25741868, with internal and published modifications).